The following is an entry in ClinVar:

ClinVar aggregate classification (germline): Likely benign. Review status: criteria provided, multiple submitters, no conflicts (2 of 4 stars). 4 submissions from 4 submitters: Likely benign (4). Last evaluated 2025-10-01.

Conditions:
Shprintzen-Goldberg syndrome (SGS). Also called: Marfanoid disorder with craniosynostosis type 1; Marfanoid craniosynostosis syndrome; Shprintzen-Goldberg marfanoid syndrome; SHPRINTZEN-GOLDBERG CRANIOSYNOSTOSIS SYNDROME; CRANIOSYNOSTOSIS WITH ARACHNODACTYLY AND ABDOMINAL HERNIAS. Identifiers: Orphanet 2462, MedGen C1321551, MONDO:0008426, OMIM 182212.
Familial thoracic aortic aneurysm and aortic dissection (TAAD). Also called: Thoracic aortic aneurysms and dissections. Identifiers: Orphanet 91387, MedGen C4707243, MONDO:0019625.

Allele frequency attached by ClinVar (database versions not stated): gnomAD 0.00001; TOPMed 0.00001.
gnomAD v4.1: 7 of 1,551,478 alleles (0.00045%); highest among the groups gnomAD compares: African/African-American, 0.0014%; no homozygotes.

Submissions (4):

CeGaT Center for Human Genetics Tuebingen
Classification: Likely benign. Last evaluated: 2025-10-01. Review status: criteria provided, single submitter. Criteria: CeGaT Center For Human Genetics Tuebingen Variant Classification Criteria Version 2. Collection method: clinical testing. Allele origin: germline. Affected: yes. Observed: 1 variant allele.
Comment: SKI: BP4, BP7

Labcorp Genetics (formerly Invitae), Labcorp
Classification: Likely benign for Shprintzen-Goldberg syndrome. Last evaluated: 2025-01-07. Review status: criteria provided, single submitter. Criteria: Invitae Variant Classification Sherloc (09022015). Collection method: clinical testing. Allele origin: germline.

GeneDx
Classification: Likely benign. Last evaluated: 2021-01-27. Review status: criteria provided, single submitter. Criteria: GeneDx Variant Classification Process June 2021. Collection method: clinical testing. Allele origin: germline. Affected: yes.

Ambry Genetics
Classification: Likely benign for Familial thoracic aortic aneurysm and aortic dissection. Last evaluated: 2020-03-16. Review status: criteria provided, single submitter. Criteria: Ambry Variant Classification Scheme 2023. Collection method: clinical testing. Allele origin: germline.

NM_003036.4(SKI):c.1506G>A (p.Pro502=)

Gene: SKI (SKI proto-oncogene; plus strand). Cytogenetic location: 1p36.32.
Variant type: single nucleotide variant.
Coding change: c.1506G>A on transcript NM_003036.4 (MANE Select); coding-DNA position 1506, G replaced by A.
Protein change: p.Pro502=; no amino-acid change (proline 502 retained).
Molecular consequence: synonymous variant.
Genome position (GRCh38, 1-based): chr1:2,304,324, G>A. VCF-style: chr1-2304324-G-A. GRCh37 (hg19) VCF-style: chr1-2235763-G-A.
Identifiers: ClinVar variation 517682 (VCV000517682.15), dbSNP rs975738197, ClinGen allele CA16896623.
Genomic context (GRCh38, chr1:2,304,324, plus strand): 5'-CTTTGTTTCTGTCTCTGCTTCCTCCTCAGTCACCTCCTCCTTGTCCTCGCTCTCTTCCCC[G>A]TCCTTTACCTCATCCAGCTCCGCCAAGGACCTGGGCTCCCCGGGTGCGCGTGCCCTGCCC-3'
Protein context (NP_003027.1, residues 492-512): FTSSLSSLSS[Pro502=]SFTSSSSAKD